The following is an entry in ClinVar:

ClinVar aggregate classification (germline): Uncertain significance. Review status: criteria provided, multiple submitters, no conflicts (2 of 4 stars). 2 submissions from 2 submitters: Uncertain significance (2). Last evaluated 2022-01-28.

Conditions:
Inborn genetic diseases. Identifiers: MedGen C0950123, MeSH D030342.
Developmental and epileptic encephalopathy, 21 (DEE21). Also called: Early infantile epileptic encephalopathy 21. Identifiers: Orphanet 442835, MedGen C4014430, MONDO:0014360, OMIM 615833.

Allele frequency attached by ClinVar (database versions not stated): TOPMed below 0.00001; gnomAD 0.00001; gnomAD exomes 0.00001; ExAC 0.00002.
gnomAD v4.1: 13 of 1,572,668 alleles (0.00083%); highest among the groups gnomAD compares: African/African-American, 0.0068%; no homozygotes.

Submissions (2):

Labcorp Genetics (formerly Invitae), Labcorp
Classification: Uncertain significance for Developmental and epileptic encephalopathy, 21. Last evaluated: 2022-01-28. Review status: criteria provided, single submitter. Criteria: Invitae Variant Classification Sherloc (09022015). Collection method: clinical testing. Allele origin: germline.
Comment: This sequence change replaces alanine, which is neutral and non-polar, with valine, which is neutral and non-polar, at codon 173 of the NECAP1 protein (p.Ala173Val). This variant is present in population databases (rs770195923, gnomAD 0.002%). This variant has not been reported in the literature in individuals affected with NECAP1-related conditions. Algorithms developed to predict the effect of missense changes on protein structure and function (SIFT, PolyPhen-2, Align-GVGD) all suggest that this variant is likely to be tolerated. In summary, the available evidence is currently insufficient to determine the role of this variant in disease. Therefore, it has been classified as a Variant of Uncertain Significance.

Ambry Genetics
Classification: Uncertain significance for Inborn genetic diseases. Last evaluated: 2021-06-18. Review status: criteria provided, single submitter. Criteria: Ambry Variant Classification Scheme 2023. Collection method: clinical testing. Allele origin: germline.

NM_015509.4(NECAP1):c.518C>T (p.Ala173Val)

Gene: NECAP1 (NECAP endocytosis associated 1; plus strand). Cytogenetic location: 12p13.31.
Variant type: single nucleotide variant.
Coding change: c.518C>T on transcript NM_015509.4 (MANE Select); coding-DNA position 518, C replaced by T.
Protein change: p.Ala173Val; replaces alanine 173 with valine.
Molecular consequence: missense variant. On other transcripts: non-coding transcript variant (1).
Genome position (GRCh38, 1-based): chr12:8,092,897, C>T. VCF-style: chr12-8092897-C-T. GRCh37 (hg19) VCF-style: chr12-8245493-C-T.
Other names: c.518C>T (NM_015509.3); short protein forms A173V.
Identifiers: ClinVar variation 1370929 (VCV001370929.4), dbSNP rs770195923, ClinGen allele CA6432293.